The following is an entry in ClinVar:

NM_152703.5(SAMD9L):c.563G>A (p.Gly188Glu)

Gene: SAMD9L (sterile alpha motif domain containing 9 like; minus strand). Cytogenetic location: 7q21.2.
Variant type: single nucleotide variant.
Coding change: c.563G>A on transcript NM_152703.5 (MANE Select); coding-DNA position 563, G replaced by A.
Protein change: p.Gly188Glu; replaces glycine 188 with glutamic acid.
Molecular consequence: missense variant.
Genome position (GRCh38, 1-based): chr7:93,135,409, C>T on the plus strand (G>A on the coding strand, the complement: SAMD9L is on the minus strand). VCF-style: chr7-93135409-C-T. GRCh37 (hg19) VCF-style: chr7-92764722-C-T.
Other names: c.563G>A, p.Gly188Glu (NM_001303496.3, NM_001303497.3, NM_001303498.3 and 5 more transcripts); short protein forms G188E.
Identifiers: ClinVar variation 4842015 (VCV004842015.1).
Genomic context (GRCh38, chr7:93,135,409, plus strand): 5'-GCTGTTTCTGTGTTTGTGAGAGCTTTGAACTCATGTATTGGATCAATGAGATTGAGTGCT[C>T]CTGTTTCAGGTTGTAGAGTATAATGTTCTATGTAGCGATGGCTGTCATGGAACTGATCAA-3'
Protein context (NP_689916.2, residues 178-198): IEHYTLQPET[Gly188Glu]ALNLIDPIHE

ClinVar aggregate classification (germline): Uncertain significance (1 of 4 stars; one submission).

Conditions:
Inborn genetic diseases. Identifiers: MedGen C0950123, MeSH D030342.

Submission:

Ambry Genetics
Classification: Uncertain significance for Inborn genetic diseases. Last evaluated: 2025-12-24. Review status: criteria provided, single submitter. Criteria: Ambry Variant Classification Scheme 2023. Collection method: clinical testing. Allele origin: germline.
Comment: The p.G188E variant (also known as c.563G>A), located in coding exon 1 of the SAMD9L gene, results from a G to A substitution at nucleotide position 563. The glycine at codon 188 is replaced by glutamic acid, an amino acid with similar properties. This amino acid position is conserved. In addition, the in silico prediction for this alteration is inconclusive. Based on the available evidence, the clinical significance of this variant remains unclear.